The following is an entry in ClinVar:

NM_139057.4(ADAMTS17):c.*1234G>A

Gene: ADAMTS17 (ADAM metallopeptidase with thrombospondin type 1 motif 17; minus strand). Cytogenetic location: 15q26.3.
Variant type: single nucleotide variant.
Coding change: c.*1234G>A on transcript NM_139057.4 (MANE Select); 1234 bases downstream of the stop codon, G replaced by A.
Molecular consequence: 3 prime UTR variant.
Genome position (GRCh38, 1-based): chr15:99,973,168, C>T on the plus strand (G>A on the coding strand, the complement: ADAMTS17 is on the minus strand). VCF-style: chr15-99973168-C-T. GRCh37 (hg19) VCF-style: chr15-100513373-C-T.
Identifiers: ClinVar variation 887508 (VCV000887508.4), dbSNP rs543905312, ClinGen allele CA275484275.

ClinVar aggregate classification (germline): Likely benign (1 of 4 stars; one submission).

Conditions:
Weill-Marchesani 4 syndrome, recessive. Also called: Weill-Marchesani syndrome 4. Identifiers: Orphanet 363992, MedGen C2750787, MONDO:0013176, OMIM 613195.

Allele frequency attached by ClinVar (database versions not stated): 1000 Genomes Project 0.00060; TOPMed 0.00101; gnomAD 0.00526 and 0.00574.

Submission:

Illumina Laboratory Services, Illumina
Classification: Likely benign for Weill-Marchesani 4 syndrome, recessive. Last evaluated: 2018-01-13. Review status: criteria provided, single submitter. Criteria: ICSL Variant Classification Criteria 13 December 2019. Collection method: clinical testing. Allele origin: germline.
Comment: This variant was observed in the ICSL laboratory as part of a predisposition screen in an ostensibly healthy population. It had not been previously curated by ICSL or reported in the Human Gene Mutation Database (HGMD: prior to June 1st, 2018), and was therefore a candidate for classification through an automated scoring system. Utilizing variant allele frequency, disease prevalence and penetrance estimates, and inheritance mode, an automated score was calculated to assess if this variant is too frequent to cause the disease. Based on the score and internal cut-off values, a variant classified as likely benign is not then subjected to further curation. The score for this variant resulted in a classification of likely benign for this disease.